The following is an entry in ClinVar:

ClinVar aggregate classification (germline): Likely benign. Review status: criteria provided, multiple submitters, no conflicts (2 of 4 stars). 2 submissions from 2 submitters: Likely benign (2). Last evaluated 2025-09-10.

Conditions:
ROBO1-related disorder. Also called: ROBO1-related condition.

Allele frequency attached by ClinVar (database versions not stated): 1000 Genomes Project 0.00080; 1000 Genomes Project 30x 0.00094; gnomAD exomes 0.00011 and 0.00050; TOPMed 0.00019; gnomAD 0.00021 and 0.00022; ExAC 0.00051.
gnomAD v4.1: 225 of 1,613,828 alleles (0.014%); highest among the groups gnomAD compares: East Asian, 0.39%; no homozygotes.

Submissions (2):

Labcorp Genetics (formerly Invitae), Labcorp
Classification: Likely benign. Last evaluated: 2025-09-10. Review status: criteria provided, single submitter. Criteria: Invitae Variant Classification Sherloc (09022015). Collection method: clinical testing. Allele origin: germline.

PreventionGenetics, part of Exact Sciences
Classification: Likely benign for ROBO1-related condition. Last evaluated: 2025-02-01. Review status: criteria provided, single submitter. Criteria: ACMG Guidelines, 2015. Collection method: clinical testing. Allele origin: germline.
Comment: This variant is classified as likely benign based on ACMG/AMP sequence variant interpretation guidelines (Richards et al. 2015 PMID: 25741868, with internal and published modifications).

NM_002941.4(ROBO1):c.4513C>T (p.Pro1505Ser)

Gene: ROBO1 (roundabout guidance receptor 1; minus strand). Cytogenetic location: 3p12.3.
Variant type: single nucleotide variant.
Coding change: c.4513C>T on transcript NM_002941.4 (MANE Select); coding-DNA position 4513, C replaced by T.
Protein change: p.Pro1505Ser; replaces proline 1505 with serine.
Molecular consequence: missense variant.
Genome position (GRCh38, 1-based): chr3:78,606,964, G>A on the plus strand (C>T on the coding strand, the complement: ROBO1 is on the minus strand). VCF-style: chr3-78606964-G-A. GRCh37 (hg19) VCF-style: chr3-78656114-G-A.
Other names: c.4213C>T, p.Pro1405Ser (NM_001145845.2); c.4378C>T, p.Pro1460Ser (NM_133631.4); short protein forms P1405S, P1505S, P1460S.
Identifiers: ClinVar variation 732104 (VCV000732104.10), dbSNP rs182523991, ClinGen allele CA2498033.